The following is an entry in ClinVar:

ClinVar aggregate classification (germline): Uncertain significance. Review status: criteria provided, multiple submitters, no conflicts (2 of 4 stars). 2 submissions from 2 submitters: Uncertain significance (2). Last evaluated 2024-02-28.

Conditions:
Polycystic kidney disease, adult type (PKD1). Also called: Polycystic Kidney, Autosomal Dominant; POLYCYSTIC KIDNEY DISEASE 1 WITH OR WITHOUT POLYCYSTIC LIVER DISEASE; Polycystic Kidney Disease 1, Autosomal Dominant; Polycystic kidney disease 1; Polycystic kidney disease 1, severe; POLYCYSTIC KIDNEY DISEASE, ADULT, TYPE I. Identifiers: MedGen C3149841, MONDO:0008263, OMIM 173900.

Submissions (2):

Fulgent Genetics
Classification: Uncertain significance for Polycystic kidney disease, adult type. Last evaluated: 2024-02-28. Review status: criteria provided, single submitter. Criteria: ACMG Guidelines, 2015. Collection method: clinical testing. Allele origin: germline.

MVZ Medizinische Genetik Mainz
Classification: Uncertain significance for Polycystic kidney disease, adult type. Last evaluated: 2021-11-29. Review status: criteria provided, single submitter. Criteria: UK Practice Guidelines For Variant Classification V4 01 2020. Collection method: clinical testing. Allele origin: germline. Inheritance: Autosomal dominant inheritance. Affected: yes. Observed: 1 variant allele.
Comment: ACMG Criteria: PM2_SUP, PP3, PP4 (ACMG Version 3)

NM_001009944.3(PKD1):c.3277C>G (p.His1093Asp)

Gene: PKD1 (polycystin 1, transient receptor potential channel interacting; minus strand). Cytogenetic location: 16p13.3.
Variant type: single nucleotide variant.
Coding change: c.3277C>G on transcript NM_001009944.3 (MANE Select); coding-DNA position 3277, C replaced by G.
Protein change: p.His1093Asp; replaces histidine 1093 with aspartic acid.
Molecular consequence: missense variant.
Genome position (GRCh38, 1-based): chr16:2,112,358, G>C on the plus strand (C>G on the coding strand, the complement: PKD1 is on the minus strand). VCF-style: chr16-2112358-G-C. GRCh37 (hg19) VCF-style: chr16-2162359-G-C.
Other names: c.3277C>G, p.His1093Asp (NM_000296.4); short protein forms H1093D.
Identifiers: ClinVar variation 3066130 (VCV003066130.2), dbSNP rs146352591, ClinGen allele CA394383415.